The following is an entry in ClinVar:

NM_001148.6(ANK2):c.2735A>G (p.His912Arg)

Gene: ANK2 (ankyrin 2; plus strand). Cytogenetic location: 4q26.
Variant type: single nucleotide variant.
Coding change: c.2735A>G on transcript NM_001148.6 (MANE Select); coding-DNA position 2735, A replaced by G.
Protein change: p.His912Arg; replaces histidine 912 with arginine.
Molecular consequence: missense variant.
Genome position (GRCh38, 1-based): chr4:113,317,748, A>G. VCF-style: chr4-113317748-A-G. GRCh37 (hg19) VCF-style: chr4-114238904-A-G.
Other names: c.2735A>G (NM_001148.4); c.2672A>G, p.His891Arg (NM_001127493.3, NM_001354243.2, NM_001354255.2 and 3 more transcripts); c.2747A>G, p.His916Arg (NM_001354225.2); c.2735A>G, p.His912Arg (NM_001354228.2, NM_001354232.2, NM_001354258.2 and 1 more transcripts); c.2777A>G, p.His926Arg (NM_001354230.2, NM_001354231.2, NM_001354237.2 and 1 more transcripts); c.2732A>G, p.His911Arg (NM_001354235.2, NM_001354236.2, NM_001354246.2 and 1 more transcripts); c.2669A>G, p.His890Arg (NM_001354239.2, NM_001354244.2, NM_001354252.2 and 3 more transcripts); c.2780A>G, p.His927Arg (NM_001354240.2, NM_001354241.2, NM_001386144.1); and 18 more; short protein forms H121R, H784R, H817R, H841R, H845R, H850R, H858R, H878R.
Identifiers: ClinVar variation 978369 (VCV000978369.7), dbSNP rs139259028, ClinGen allele CA3050654.
Genomic context (GRCh38, chr4:113,317,748, plus strand): 5'-CCTCCTGCCAACCTACCAGCCTTCGATCCTTCAGTTCCGACAGGTCTCACACTCTGAGCC[A>G]TGCCTCCTACCTGAGGGACAGTGCCGTGATGGATGACTCAGTTGTGATTCCCAGTCACCA-3'
Protein context (NP_001139.3, residues 902-922): FSSDRSHTLS[His912Arg]ASYLRDSAVM

ClinVar aggregate classification (germline): Uncertain significance. Review status: criteria provided, multiple submitters, no conflicts (2 of 4 stars). 3 submissions from 3 submitters: Uncertain significance (3). Last evaluated 2025-01-26.

Conditions:
Conduction disorder of the heart. Also called: Cardiac conduction defect. Identifiers: Orphanet 871, MedGen C0264886, MONDO:0100042, OMIM 115080.
Cardiovascular phenotype. Identifiers: MedGen CN230736.
Long QT syndrome (LQTS). Identifiers: MedGen C0023976, MeSH D008133, MONDO:0002442. Disease mechanism: loss of function. Inheritance: Various modes of inheritance.

Allele frequency attached by ClinVar (database versions not stated): ExAC 0.00002; gnomAD 0.00002; TOPMed 0.00002; ESP Exome Variant Server 0.00008.
gnomAD v4.1: 5 of 1,614,028 alleles (0.00031%); highest among the groups gnomAD compares: African/African-American, 0.0027%; no homozygotes.

Submissions (3):

Ambry Genetics
Classification: Uncertain significance for Cardiovascular phenotype. Last evaluated: 2025-01-26. Review status: criteria provided, single submitter. Criteria: Ambry Variant Classification Scheme 2023. Collection method: clinical testing. Allele origin: germline.

Labcorp Genetics (formerly Invitae), Labcorp
Classification: Uncertain significance for Long QT syndrome. Last evaluated: 2023-10-13. Review status: criteria provided, single submitter. Criteria: Invitae Variant Classification Sherloc (09022015). Collection method: clinical testing. Allele origin: germline.
Comment: This sequence change replaces histidine, which is basic and polar, with arginine, which is basic and polar, at codon 912 of the ANK2 protein (p.His912Arg). This variant is present in population databases (rs139259028, gnomAD 0.01%). This variant has not been reported in the literature in individuals affected with ANK2-related conditions. ClinVar contains an entry for this variant (Variation ID: 978369). Advanced modeling of protein sequence and biophysical properties (such as structural, functional, and spatial information, amino acid conservation, physicochemical variation, residue mobility, and thermodynamic stability) performed at Invitae indicates that this missense variant is not expected to disrupt ANK2 protein function. In summary, the available evidence is currently insufficient to determine the role of this variant in disease. Therefore, it has been classified as a Variant of Uncertain Significance.

Molecular Diagnostic Laboratory for Inherited Cardiovascular Disease, Montreal Heart Institute
Classification: Uncertain significance for Conduction disorder of the heart. Last evaluated: 2020-01-06. Review status: criteria provided, single submitter. Criteria: ACMG Guidelines, 2015. Collection method: clinical testing. Allele origin: germline. Affected: yes.